The following is an entry in ClinVar:

NM_001377.3(DYNC2H1):c.3793_3794insA (p.Arg1265fs)

Gene: DYNC2H1 (dynein cytoplasmic 2 heavy chain 1; plus strand). Cytogenetic location: 11q22.3.
Variant type: Insertion.
Coding change: c.3793_3794insA on transcript NM_001377.3 (MANE Select); coding-DNA positions 3793 to 3794, A inserted.
Protein change: p.Arg1265fs; shifts the reading frame from arginine 1265.
Molecular consequence: frameshift variant.
Genome position: GRCh38 VCF-style: chr11-103156436-C-CA. GRCh37 (hg19) VCF-style: chr11-103027165-C-CA.
Other names: c.3793_3794insA, p.Arg1265fs (NM_001080463.2); short protein forms R1265fs.
Identifiers: ClinVar variation 2706111 (VCV002706111.3), dbSNP rs2497060831, ClinGen allele CA2697548922.

ClinVar aggregate classification (germline): Pathogenic (1 of 4 stars; one submission).

Conditions:
Jeune thoracic dystrophy. Also called: Infantile thoracic dystrophy; Thoracic pelvic phalangeal dystrophy; Jeune's syndrome; Chondroectodermal dysplasia-like syndrome; Short-rib thoracic dysplasia; Jeune syndrome. Identifiers: Orphanet 474, MedGen C0265275, MONDO:0018770.

Submission:

Labcorp Genetics (formerly Invitae), Labcorp
Classification: Pathogenic for Jeune thoracic dystrophy. Last evaluated: 2023-12-28. Review status: criteria provided, single submitter. Criteria: Invitae Variant Classification Sherloc (09022015). Collection method: clinical testing. Allele origin: germline.
Comment: This sequence change creates a premature translational stop signal (p.Arg1265Glnfs*2) in the DYNC2H1 gene. It is expected to result in an absent or disrupted protein product. Loss-of-function variants in DYNC2H1 are known to be pathogenic (PMID: 23339108, 32753734, 33755199). This variant is not present in population databases (gnomAD no frequency). This variant has not been reported in the literature in individuals affected with DYNC2H1-related conditions. For these reasons, this variant has been classified as Pathogenic.

Literature cited by the submitters: PubMed 23339108; PubMed 32753734; PubMed 33755199.